The following is an entry in ClinVar:

NM_007126.5(VCP):c.760A>T (p.Ile254Phe)

Gene: VCP (valosin containing protein; minus strand). Cytogenetic location: 9p13.3.
Variant type: single nucleotide variant.
Coding change: c.760A>T on transcript NM_007126.5 (MANE Select); coding-DNA position 760, A replaced by T.
Protein change: p.Ile254Phe; replaces isoleucine 254 with phenylalanine.
Molecular consequence: missense variant.
Genome position (GRCh38, 1-based): chr9:35,063,029, T>A on the plus strand (A>T on the coding strand, the complement: VCP is on the minus strand). VCF-style: chr9-35063029-T-A. GRCh37 (hg19) VCF-style: chr9-35063026-T-A.
Other names: c.625A>T, p.Ile209Phe (NM_001354927.2, NM_001354928.2); short protein forms I209F, I254F.
Identifiers: ClinVar variation 1719062 (VCV001719062.6), dbSNP rs2490360244, ClinGen allele CA373286458.

ClinVar aggregate classification (germline): Uncertain significance (1 of 4 stars; one submission).

Conditions:
Inclusion body myopathy with Paget disease of bone and frontotemporal dementia. Also called: Inclusion body myopathy with early-onset Paget disease and frontotemporal dementia. Identifiers: Orphanet 52430, MedGen C1833662, MONDO:0000507.
Frontotemporal dementia and/or amyotrophic lateral sclerosis 6 (FTDALS6). Also called: VCP-Related Amyotrophic Lateral Sclerosis; VCP-Related Amyotrophic Lateral Sclerosis/Frontotemporal Dementia. Identifiers: Orphanet 275872, Orphanet 803, MedGen C5436279, MONDO:0013501, OMIM 613954.

Submission:

Labcorp Genetics (formerly Invitae), Labcorp
Classification: Uncertain significance for Inclusion body myopathy with Paget disease of bone and frontotemporal dementia; Frontotemporal dementia and/or amyotrophic lateral sclerosis 6. Last evaluated: 2025-03-07. Review status: criteria provided, single submitter. Criteria: Invitae Variant Classification Sherloc (09022015). Collection method: clinical testing. Allele origin: germline.
Comment: This sequence change replaces isoleucine, which is neutral and non-polar, with phenylalanine, which is neutral and non-polar, at codon 254 of the VCP protein (p.Ile254Phe). This variant is not present in population databases (gnomAD no frequency). This missense change has been observed in individuals with amyotrophic lateral sclerosis and/or clinical features of inclusion body myopathy with early-onset Paget disease with or without frontotemporal dementia 1 (PMID: 36980948; internal data). ClinVar contains an entry for this variant (Variation ID: 1719062). Invitae Evidence Modeling of protein sequence and biophysical properties (such as structural, functional, and spatial information, amino acid conservation, physicochemical variation, residue mobility, and thermodynamic stability) indicates that this missense variant is not expected to disrupt VCP protein function with a negative predictive value of 80%. In summary, the available evidence is currently insufficient to determine the role of this variant in disease. Therefore, it has been classified as a Variant of Uncertain Significance.

Literature cited by the submitters: PubMed 36980948.